The following is an entry in ClinVar:

NM_144599.5(NIPA1):c.*5185C>T

Gene: NIPA1 (NIPA magnesium transporter 1; plus strand). Cytogenetic location: 15q11.2.
Variant type: single nucleotide variant.
Coding change: c.*5185C>T on transcript NM_144599.5 (MANE Select); 5185 bases downstream of the stop codon, C replaced by T.
Molecular consequence: 3 prime UTR variant.
Genome position (GRCh38, 1-based): chr15:22,829,424, C>T. VCF-style: chr15-22829424-C-T. GRCh37 (hg19) VCF-style: chr15-23043644-G-A.
Other names: c.*5185C>T (NM_001142275.1).
Identifiers: ClinVar variation 315338 (VCV000315338.29), dbSNP rs569739849, ClinGen allele CA10645601.
Genomic context (GRCh38, chr15:22,829,424, plus strand): 5'-AAAGGGTCATGTTGAAAAGTTCAGAATATTTATTTGTCAGAATATAATAATTGCCCCCCA[C>T]CTTAGTATTTTTGCACTTTACAGAAATTTAGATACTGTTTTTCAGTGGCTTGAGCGTTTT-3'

ClinVar aggregate classification (germline): Conflicting classifications of pathogenicity. Review status: criteria provided, conflicting classifications (1 of 4 stars). 2 submissions from 2 submitters: Uncertain significance (1); Benign (1). Last evaluated 2022-06-01.

Conditions:
Hereditary spastic paraplegia 6 (SPG6). Also called: SPASTIC PARAPLEGIA 6, AUTOSOMAL DOMINANT. Identifiers: Orphanet 100988, MedGen C1838192, MONDO:0010878, OMIM 600363.

Allele frequency attached by ClinVar (database versions not stated): 1000 Genomes Project 0.00020; 1000 Genomes Project 30x 0.00062; gnomAD 0.00109 and 0.00127; TOPMed 0.00138.

Submissions (2):

CeGaT Center for Human Genetics Tuebingen
Classification: Benign. Last evaluated: 2022-06-01. Review status: criteria provided, single submitter. Criteria: CeGaT Center For Human Genetics Tuebingen Variant Classification Criteria Version 2. Collection method: clinical testing. Allele origin: germline. Affected: yes. Observed: 1 variant allele.
Comment: NIPA1: BS1, BS2

Illumina Laboratory Services, Illumina
Classification: Uncertain significance for Hereditary spastic paraplegia 6. Last evaluated: 2018-01-12. Review status: criteria provided, single submitter. Criteria: ICSL Variant Classification Criteria 13 December 2019. Collection method: clinical testing. Allele origin: germline.